The following is an entry in ClinVar:

NM_006231.4(POLE):c.4653C>A (p.His1551Gln)

Gene: POLE (DNA polymerase epsilon, catalytic subunit; minus strand). Cytogenetic location: 12q24.33.
Variant type: single nucleotide variant.
Coding change: c.4653C>A on transcript NM_006231.4 (MANE Select); coding-DNA position 4653, C replaced by A.
Protein change: p.His1551Gln; replaces histidine 1551 with glutamine.
Molecular consequence: missense variant.
Genome position (GRCh38, 1-based): chr12:132,642,895, G>T on the plus strand (C>A on the coding strand, the complement: POLE is on the minus strand). VCF-style: chr12-132642895-G-T. GRCh37 (hg19) VCF-style: chr12-133219481-G-T.
Other names: c.4653C>A (NM_006231.2); short protein forms H1551Q.
Identifiers: ClinVar variation 1017176 (VCV001017176.10), dbSNP rs1243061188, ClinGen allele CA387378991.

ClinVar aggregate classification (germline): Uncertain significance. Review status: criteria provided, multiple submitters, no conflicts (2 of 4 stars). 2 submissions from 2 submitters: Uncertain significance (2). Last evaluated 2023-04-22.

Conditions:
Hereditary cancer-predisposing syndrome. Also called: Tumor predisposition; Neoplastic Syndromes, Hereditary; Hereditary neoplastic syndrome; Hereditary Cancer Syndrome. Identifiers: Orphanet 140162, MedGen C0027672, MeSH D009386, MONDO:0015356.

Allele frequency attached by ClinVar (database versions not stated): gnomAD exomes below 0.00001.
gnomAD v4.1: 2 of 1,613,858 alleles (0.00012%); highest among the groups gnomAD compares: Non-Finnish European, 0.00017%; no homozygotes.

Submissions (2):

Labcorp Genetics (formerly Invitae), Labcorp
Classification: Uncertain significance. Last evaluated: 2023-04-22. Review status: criteria provided, single submitter. Criteria: Invitae Variant Classification Sherloc (09022015). Collection method: clinical testing. Allele origin: germline.
Comment: Advanced modeling of protein sequence and biophysical properties (such as structural, functional, and spatial information, amino acid conservation, physicochemical variation, residue mobility, and thermodynamic stability) performed at Invitae indicates that this missense variant is not expected to disrupt POLE protein function. In summary, the available evidence is currently insufficient to determine the role of this variant in disease. Therefore, it has been classified as a Variant of Uncertain Significance. ClinVar contains an entry for this variant (Variation ID: 1017176). This variant has not been reported in the literature in individuals affected with POLE-related conditions. This variant is present in population databases (no rsID available, gnomAD 0.0009%). This sequence change replaces histidine, which is basic and polar, with glutamine, which is neutral and polar, at codon 1551 of the POLE protein (p.His1551Gln).

Ambry Genetics
Classification: Uncertain significance for Hereditary cancer-predisposing syndrome. Last evaluated: 2022-12-15. Review status: criteria provided, single submitter. Criteria: Ambry Variant Classification Scheme 2023. Collection method: clinical testing. Allele origin: germline.
Comment: The p.H1551Q variant (also known as c.4653C>A), located in coding exon 36 of the POLE gene, results from a C to A substitution at nucleotide position 4653. The histidine at codon 1551 is replaced by glutamine, an amino acid with highly similar properties. This amino acid position is conserved. In addition, this alteration is predicted to be tolerated by in silico analysis. Since supporting evidence is limited at this time, the clinical significance of this alteration remains unclear.